The following is an entry in ClinVar:

NM_005676.5(RBM10):c.2765T>C (p.Met922Thr)

Gene: RBM10 (RNA binding motif protein 10; plus strand). Cytogenetic location: Xp11.3.
Variant type: single nucleotide variant.
Coding change: c.2765T>C on transcript NM_005676.5 (MANE Select); coding-DNA position 2765, T replaced by C.
Protein change: p.Met922Thr; replaces methionine 922 with threonine.
Molecular consequence: missense variant.
Genome position (GRCh38, 1-based): chrX:47,186,571, T>C. VCF-style: chrX-47186571-T-C. GRCh37 (hg19) VCF-style: chrX-47045970-T-C.
Other names: c.2534T>C, p.Met845Thr (NM_001204466.2); c.2762T>C, p.Met921Thr (NM_001204467.2); c.2960T>C, p.Met987Thr (NM_001204468.2); c.2531T>C, p.Met844Thr (NM_152856.3); short protein forms M922T, M844T, M845T, M921T, M987T.
Identifiers: ClinVar variation 426243 (VCV000426243.2), dbSNP rs1085307521, ClinGen allele CA412810263.
Genomic context (GRCh38, chrX:47,186,571, plus strand): 5'-GGGGCAGCTCCTACGGGGTCACCTCAACCGAGTCCTACAAGGAGACACTGCACAAGACAA[T>C]GGTGACCCGCTTCAACGAGGCCCAGTGAGCAGCTTCAAGAGCAACTTCTCCACATGTTGG-3'
Protein context (NP_005667.2, residues 912-930): ESYKETLHKT[Met922Thr]VTRFNEAQ

ClinVar aggregate classification (germline): Uncertain significance (1 of 4 stars; one submission).

Allele frequency attached by ClinVar (database versions not stated): gnomAD exomes below 0.00001.
gnomAD v4.1: 3 of 1,211,657 alleles (0.00025%); highest among the groups gnomAD compares: Non-Finnish European, 0.00034%; no homozygotes.

Submission:

GeneDx
Classification: Uncertain significance. Last evaluated: 2017-04-25. Review status: criteria provided, single submitter. Criteria: GeneDx Variant Classification (06012015). Collection method: clinical testing. Allele origin: germline. Affected: yes.
Comment: The M922T variant in the RBM10 gene has not been reported previously as a pathogenic variant, nor as a benign variant, to our knowledge. The M922T variant is not observed in large population cohorts (Lek et al., 2016; 1000 Genomes Consortium et al., 2015; Exome Variant Server). The M922T variant is a non-conservative amino acid substitution, which is likely to impact secondary protein structure as these residues differ in polarity, charge, size and/or other properties. This substitution occurs at a position that is conserved across species. In silico analysis predicts this variant is probably damaging to the protein structure/function. We interpret M922T as a variant of uncertain significance.